The following is an entry in ClinVar:

ClinVar aggregate classification (germline): Uncertain significance (1 of 4 stars; one submission).

Submission:

GeneDx
Classification: Uncertain significance. Last evaluated: 2023-02-14. Review status: criteria provided, single submitter. Criteria: GeneDx Variant Classification Process June 2021. Collection method: clinical testing. Allele origin: germline. Affected: yes.
Comment: Not observed at significant frequency in large population cohorts (gnomAD); In silico analysis supports that this missense variant has a deleterious effect on protein structure/function; Has not been previously published as pathogenic or benign to our knowledge

NM_001374353.1(GLI2):c.193G>A (p.Asp65Asn)

Gene: GLI2 (GLI family zinc finger 2; plus strand). Cytogenetic location: 2q14.2.
Variant type: single nucleotide variant.
Coding change: c.193G>A on transcript NM_001374353.1 (MANE Select); coding-DNA position 193, G replaced by A.
Protein change: p.Asp65Asn; replaces aspartic acid 65 with asparagine.
Molecular consequence: missense variant. On other transcripts: intron variant (1).
Genome position (GRCh38, 1-based): chr2:120,927,405, G>A. VCF-style: chr2-120927405-G-A. GRCh37 (hg19) VCF-style: chr2-121684981-G-A.
Other names: c.193G>A, p.Asp65Asn (NM_001371271.1, NM_005270.5); c.-121-23838G>A (NM_001374354.1); short protein forms D65N.
Identifiers: ClinVar variation 2578131 (VCV002578131.1), dbSNP rs2467523873, ClinGen allele CA348160755.